The following is an entry in ClinVar:

ClinVar aggregate classification (germline): Uncertain significance (1 of 4 stars; one submission).

Submission:

GeneDx
Classification: Uncertain significance. Last evaluated: 2019-05-10. Review status: criteria provided, single submitter. Criteria: GeneDx Variant Classification Process June 2021. Collection method: clinical testing. Allele origin: germline. Affected: yes.
Comment: Not observed in large population cohorts (Lek et al., 2016); The majority of missense variants in this gene are considered pathogenic (Stenson et al., 2014); In silico analysis, which includes protein predictors and evolutionary conservation, supports that this variant does not alter protein structure/function; Has not been previously published as pathogenic or benign to our knowledge

NM_001101.5(ACTB):c.810G>C (p.Glu270Asp)

Gene: ACTB (actin beta; minus strand). Cytogenetic location: 7p22.1.
Variant type: single nucleotide variant.
Coding change: c.810G>C on transcript NM_001101.5 (MANE Select); coding-DNA position 810, G replaced by C.
Protein change: p.Glu270Asp; replaces glutamic acid 270 with aspartic acid.
Molecular consequence: missense variant.
Genome position (GRCh38, 1-based): chr7:5,528,178, C>G on the plus strand (G>C on the coding strand, the complement: ACTB is on the minus strand). VCF-style: chr7-5528178-C-G. GRCh37 (hg19) VCF-style: chr7-5567809-C-G.
Other names: short protein forms E270D.
Identifiers: ClinVar variation 1305456 (VCV001305456.2), dbSNP rs745973745, ClinGen allele CA366700815.